The following is an entry in ClinVar:

NM_007294.4(BRCA1):c.374dup (p.Gln126fs)

Gene: BRCA1 (BRCA1 DNA repair associated; minus strand). Cytogenetic location: 17q21.31.
Variant type: Duplication.
Coding change: c.374dup on transcript NM_007294.4 (MANE Select); coding-DNA position 374, one base duplicated (T; older notation c.374dupT).
Protein change: p.Gln126fs; shifts the reading frame from glutamine 126.
Molecular consequence: frameshift variant. On other transcripts: non-coding transcript variant (1).
Genome position (GRCh38, 1-based): chr17:43,104,189, A duplicated on the plus strand (T on the coding strand, the reverse complement: BRCA1 is on the minus strand). VCF-style (leftmost placement, unchanged base first): chr17-43104188-G-GA. GRCh37 (hg19) VCF-style: chr17-41256205-G-GA.
Other names: c.233dup, p.Gln79Profs (NM_001407735.1, NM_001407742.1, NM_001407738.1 and 98 more transcripts); c.374dupT (NM_007294.3); c.164dup, p.Gln56Profs (NM_001407853.1, NM_001407879.1, NM_001407881.1 and 58 more transcripts); c.374dup, p.Gln126Profs (NM_001407854.1, NM_001407858.1, NM_001407859.1 and 163 more transcripts); c.296dup, p.Gln100Profs (NM_001407862.1, NM_001407874.1, NM_001407875.1 and 21 more transcripts); c.-8dup (NM_001407959.1, NM_001407960.1, NM_001407962.1 and 4 more transcripts); c.365dup, p.Gln123Profs (NM_001408408.1, NM_001407646.1, NM_001407647.1); c.242dup, p.Gln82Profs (NM_001408451.1); and 2 more; short protein forms Q126fs, Q79fs.
Identifiers: ClinVar variation 545900 (VCV000545900.14), dbSNP rs1555596392, ClinGen allele CA658824564.

ClinVar aggregate classification (germline): Pathogenic. Review status: criteria provided, multiple submitters, no conflicts (2 of 4 stars). 3 submissions from 3 submitters: Pathogenic (3). Last evaluated 2025-04-18.

Conditions:
Hereditary breast ovarian cancer syndrome. Also called: Hereditary breast and ovarian cancer; Hereditary breast and/or ovarian cancer syndrome; Hereditary breast and ovarian cancer syndrome; Hereditary breast and ovarian cancer syndrome (HBOC); Breast and ovarian cancer; BRCA1- and BRCA2-Associated Hereditary Breast and Ovarian Cancer. Identifiers: Orphanet 145, MedGen C0677776, MeSH D061325, MONDO:0003582. Disease mechanism: loss of function.
Hereditary cancer-predisposing syndrome. Also called: Neoplastic Syndromes, Hereditary; Hereditary Cancer Syndrome; Tumor predisposition; Hereditary neoplastic syndrome. Identifiers: Orphanet 140162, MedGen C0027672, MeSH D009386, MONDO:0015356.

Submissions (3):

Ambry Genetics
Classification: Pathogenic for Hereditary cancer-predisposing syndrome. Last evaluated: 2025-04-18. Review status: criteria provided, single submitter. Criteria: Ambry Variant Classification Scheme 2023. Collection method: clinical testing. Allele origin: germline.
Comment: The c.374dupT pathogenic mutation, located in coding exon 5 of the BRCA1 gene, results from a duplication of T at nucleotide position 374, causing a translational frameshift with a predicted alternate stop codon (p.Q126Pfs*16). This alteration has also been reported in an ovarian cancer patient (Morgan RD et al. Br J Cancer, 2024 Dec;131:1919-1927). This variant is considered to be rare based on population cohorts in the Genome Aggregation Database (gnomAD). This alteration is expected to result in loss of function by premature protein truncation or nonsense-mediated mRNA decay. As such, this alteration is interpreted as a disease-causing mutation.

Labcorp Genetics (formerly Invitae), Labcorp
Classification: Pathogenic for Hereditary breast ovarian cancer syndrome. Last evaluated: 2019-11-16. Review status: criteria provided, single submitter. Criteria: Invitae Variant Classification Sherloc (09022015). Collection method: clinical testing. Allele origin: germline.
Comment: This sequence change creates a premature translational stop signal (p.Gln126Profs*16) in the BRCA1 gene. It is expected to result in an absent or disrupted protein product. This variant is not present in population databases (ExAC no frequency). This variant has not been reported in the literature in individuals with BRCA1-related disease. ClinVar contains an entry for this variant (Variation ID: 545900). Loss-of-function variants in BRCA1 are known to be pathogenic (PMID: 20104584). For these reasons, this variant has been classified as Pathogenic.

GeneDx
Classification: Pathogenic. Last evaluated: 2018-04-17. Review status: criteria provided, single submitter. Criteria: GeneDx Variant Classification (06012015). Collection method: clinical testing. Allele origin: germline. Affected: yes.
Comment: This duplication of one nucleotide in BRCA1 is denoted c.374dupT at the cDNA level and p.Gln126ProfsX16 (Q126PfsX16) at the protein level. The normal sequence, with the base that is duplicated in brackets, is ATCA[dupT]CCAA. The duplication causes a frameshift which changes a Glutamine to a Proline at codon 126, and creates a premature stop codon at position 16 of the new reading frame. Although this variant has not, to our knowledge, been reported in the literature, it is predicted to cause loss of normal protein function through either protein truncation or nonsense-mediated mRNA decay. We consider this variant to be pathogenic.

Literature cited by the submitters: PubMed 31173646 (cited by Ambry Genetics); PubMed 39550490 (cited by Ambry Genetics); PubMed 20104584 (cited by Labcorp Genetics (formerly Invitae), Labcorp).